The following is an entry in ClinVar:

ClinVar aggregate classification (germline): Pathogenic (1 of 4 stars; one submission).

Conditions:
Nephronophthisis. Also called: Juvenile Nephronophthisis. Identifiers: Orphanet 655, MedGen C0687120, MONDO:0019005, HP:0000090.

Submission:

Labcorp Genetics (formerly Invitae), Labcorp
Classification: Pathogenic for Nephronophthisis. Last evaluated: 2024-02-02. Review status: criteria provided, single submitter. Criteria: Invitae Variant Classification Sherloc (09022015). Collection method: clinical testing. Allele origin: germline.
Comment: This sequence change creates a premature translational stop signal (p.Lys1192Asnfs*27) in the NPHP3 gene. It is expected to result in an absent or disrupted protein product. Loss-of-function variants in NPHP3 are known to be pathogenic (PMID: 18371931, 23559409). This variant is not present in population databases (gnomAD no frequency). This variant has not been reported in the literature in individuals affected with NPHP3-related conditions. ClinVar contains an entry for this variant (Variation ID: 1972255). For these reasons, this variant has been classified as Pathogenic.

Literature cited by the submitters: PubMed 18371931; PubMed 23559409.

NM_153240.5(NPHP3):c.3576del (p.Lys1192fs)

Genes: NPHP3 (nephrocystin 3; minus strand), NPHP3-ACAD11 (NPHP3-ACAD11 readthrough (NMD candidate); minus strand). Cytogenetic location: 3q22.1.
Variant type: Deletion.
Coding change: c.3576del on transcript NM_153240.5 (MANE Select); coding-DNA position 3576, one base deleted (A; older notation c.3576delA).
Protein change: p.Lys1192fs; shifts the reading frame from lysine 1192.
Molecular consequence: frameshift variant. On other transcripts: non-coding transcript variant (1).
Genome position (GRCh38, 1-based): chr3:132,683,519, T deleted on the plus strand (A on the coding strand, the reverse complement: NPHP3 is on the minus strand); the first of 3 consecutive T bases (chr3:132,683,519-132,683,521); deleting any one gives the same sequence. VCF-style (leftmost placement, unchanged base first): chr3-132683518-GT-G. GRCh37 (hg19) VCF-style: chr3-132402362-GT-G.
Other names: short protein forms K1192fs.
Identifiers: ClinVar variation 1972255 (VCV001972255.5), dbSNP rs2530377308, ClinGen allele CA2580068781.
Genomic context (GRCh38, chr3:132,683,518, plus strand): 5'-GGCCAAAAGATTTCTGTCGAATTTCAACAGCCAATTCATACAAAGGTACAGCTTTGTCAA[GT>G]TTCCCCTAAAAAACAAGAGTTAAATCTAACAAAAATATAAGGCAATAAATACTATCTTAT-3'